The following is an entry in ClinVar:

NM_139057.4(ADAMTS17):c.824T>G (p.Ile275Ser)

Gene: ADAMTS17 (ADAM metallopeptidase with thrombospondin type 1 motif 17; minus strand). Cytogenetic location: 15q26.3.
Variant type: single nucleotide variant.
Coding change: c.824T>G on transcript NM_139057.4 (MANE Select); coding-DNA position 824, T replaced by G.
Protein change: p.Ile275Ser; replaces isoleucine 275 with serine.
Molecular consequence: missense variant.
Genome position (GRCh38, 1-based): chr15:100,262,401, A>C on the plus strand (T>G on the coding strand, the complement: ADAMTS17 is on the minus strand). VCF-style: chr15-100262401-A-C. GRCh37 (hg19) VCF-style: chr15-100802606-A-C.
Other names: short protein forms I275S.
Identifiers: ClinVar variation 2414574 (VCV002414574.5), dbSNP rs1413707408, ClinGen allele CA393940587.

ClinVar aggregate classification (germline): Uncertain significance (1 of 4 stars; one submission).

Allele frequency attached by ClinVar (database versions not stated): gnomAD exomes below 0.00001.

Submission:

Labcorp Genetics (formerly Invitae), Labcorp
Classification: Uncertain significance. Last evaluated: 2022-05-03. Review status: criteria provided, single submitter. Criteria: Invitae Variant Classification Sherloc (09022015). Collection method: clinical testing. Allele origin: germline.
Comment: In summary, the available evidence is currently insufficient to determine the role of this variant in disease. Therefore, it has been classified as a Variant of Uncertain Significance. Algorithms developed to predict the effect of missense changes on protein structure and function output the following: SIFT: "Not Available"; PolyPhen-2: "Benign"; Align-GVGD: "Not Available". The serine amino acid residue is found in multiple mammalian species, which suggests that this missense change does not adversely affect protein function. This variant has not been reported in the literature in individuals affected with ADAMTS17-related conditions. This variant is present in population databases (no rsID available, gnomAD 0.0009%). This sequence change replaces isoleucine, which is neutral and non-polar, with serine, which is neutral and polar, at codon 275 of the ADAMTS17 protein (p.Ile275Ser).